The following is an entry in ClinVar:

ClinVar aggregate classification (germline): Benign (1 of 4 stars; one submission).

Conditions:
Rhabdoid tumor predisposition syndrome 2 (RTPS2). Identifiers: Orphanet 231108, Orphanet 69077, MedGen C2750074, MONDO:0013224, OMIM 613325.

Submission:

Myriad Genetics, Inc.
Classification: Benign for Rhabdoid tumor predisposition syndrome 2. Last evaluated: 2026-07-13. Review status: criteria provided, single submitter. Criteria: Myriad Autosomal Dominant, Autosomal Recessive and X-Linked Classification Criteria (2023). Collection method: clinical testing. Allele origin: unknown.
Comment: This variant is considered benign. This variant is a silent/synonymous amino acid change and it is not expected to impact splicing.

NM_003072.5(SMARCA4):c.2302C>T (p.Leu768=)

Gene: SMARCA4 (SWI/SNF related BAF chromatin remodeling complex subunit ATPase 4; plus strand). Cytogenetic location: 19p13.2.
Variant type: single nucleotide variant.
Coding change: c.2302C>T on transcript NM_003072.5 (MANE Select); coding-DNA position 2302, C replaced by T.
Protein change: p.Leu768=; no amino-acid change (leucine 768 retained).
Molecular consequence: synonymous variant. On other transcripts: non-coding transcript variant (1).
Genome position (GRCh38, 1-based): chr19:11,012,976, C>T. VCF-style: chr19-11012976-C-T. GRCh37 (hg19) VCF-style: chr19-11123652-C-T.
Other names: c.2302C>T, p.Leu768= (NM_001128844.3, NM_001128845.2, NM_001128846.2 and 6 more transcripts).
Identifiers: ClinVar variation 5042092 (VCV005042092.1).
Genomic context (GRCh38, chr19:11,012,976, plus strand): 5'-TCAGTCCTGGCGTGGCCGCATCTGTCCTTGCAGATCAAAGGTTTGGAGTGGCTGGTGTCC[C>T]TGTACAACAACAACCTGAACGGCATCCTGGCCGACGAGATGGGCCTGGGGAAGACCATCC-3'
Protein context (NP_003063.2, residues 758-778): QIKGLEWLVS[Leu768=]YNNNLNGILA